The following is an entry in ClinVar:

ClinVar aggregate classification (germline): Uncertain significance (1 of 4 stars; one submission).

Conditions:
Baller-Gerold syndrome (BGS). Also called: CRANIOSYNOSTOSIS WITH RADIAL DEFECTS. Identifiers: Orphanet 1225, MedGen C0265308, MONDO:0009039, OMIM 218600.

Submission:

Labcorp Genetics (formerly Invitae), Labcorp
Classification: Uncertain significance for Baller-Gerold syndrome. Last evaluated: 2025-06-16. Review status: criteria provided, single submitter. Criteria: Invitae Variant Classification Sherloc (09022015). Collection method: clinical testing. Allele origin: germline.
Comment: This sequence change replaces glycine, which is neutral and non-polar, with serine, which is neutral and polar, at codon 170 of the RECQL4 protein (p.Gly170Ser). This variant is not present in population databases (gnomAD no frequency). This variant has not been reported in the literature in individuals affected with RECQL4-related conditions. ClinVar contains an entry for this variant (Variation ID: 1379488). Invitae Evidence Modeling of protein sequence and biophysical properties (such as structural, functional, and spatial information, amino acid conservation, physicochemical variation, residue mobility, and thermodynamic stability) indicates that this missense variant is not expected to disrupt RECQL4 protein function with a negative predictive value of 80%. In summary, the available evidence is currently insufficient to determine the role of this variant in disease. Therefore, it has been classified as a Variant of Uncertain Significance.

NM_004260.4(RECQL4):c.508G>A (p.Gly170Ser)

Gene: RECQL4 (RecQ like helicase 4; minus strand). Cytogenetic location: 8q24.3.
Variant type: single nucleotide variant.
Coding change: c.508G>A on transcript NM_004260.4 (MANE Select); coding-DNA position 508, G replaced by A.
Protein change: p.Gly170Ser; replaces glycine 170 with serine.
Molecular consequence: missense variant.
Genome position (GRCh38, 1-based): chr8:144,516,611, C>T on the plus strand (G>A on the coding strand, the complement: RECQL4 is on the minus strand). VCF-style: chr8-144516611-C-T. GRCh37 (hg19) VCF-style: chr8-145741995-C-T.
Other names: short protein forms G170S.
Identifiers: ClinVar variation 1379488 (VCV001379488.6), dbSNP rs774750928, ClinGen allele CA372691213.